The following is an entry in ClinVar:

ClinVar aggregate classification (germline): Likely pathogenic (1 of 4 stars; one submission).

Submission:

Laboratorio de Genetica e Diagnostico Molecular, Hospital Israelita Albert Einstein
Classification: Likely pathogenic. Last evaluated: 2020-03-19. Review status: criteria provided, single submitter. Criteria: ACMG Guidelines, 2015. Collection method: clinical testing. Allele origin: germline. Affected: yes.
Comment: ACMG classification criteria: PVS1, PM2

NM_012330.4(KAT6B):c.4054del (p.Glu1352fs)

Gene: KAT6B (lysine acetyltransferase 6B; plus strand). Cytogenetic location: 10q22.2.
Variant type: Deletion.
Coding change: c.4054del on transcript NM_012330.4 (MANE Select); coding-DNA position 4054, one base deleted (G; older notation c.4054delG).
Protein change: p.Glu1352fs; shifts the reading frame from glutamic acid 1352.
Molecular consequence: frameshift variant.
Genome position (GRCh38, 1-based): chr10:75,028,878, G deleted; the last of 2 consecutive G bases (chr10:75,028,877-75,028,878); deleting either gives the same sequence. VCF-style (leftmost placement, unchanged base first): chr10-75028876-AG-A. GRCh37 (hg19) VCF-style: chr10-76788634-AG-A.
Other names: c.3504delG (NM_001256468.2); c.3505del, p.Glu1169fs (NM_001256468.2, NM_001370138.1); c.3178del, p.Glu1060fs (NM_001256469.2, NM_001370139.1, NM_001370140.1 and 2 more transcripts); c.3016del, p.Glu1006fs (NM_001370132.1); c.2365del, p.Glu789fs (NM_001370133.1); c.1969del, p.Glu657fs (NM_001370134.1); c.1711del, p.Glu571fs (NM_001370135.1); c.4054del, p.Glu1352fs (NM_001370136.1, NM_001370137.1); and 1 more; short protein forms E1006fs, E1060fs, E1169fs, E1352fs, E571fs, E657fs, E789fs, E997fs.
Identifiers: ClinVar variation 1690833 (VCV001690833.2), dbSNP rs2134236431, ClinGen allele CA2573145643.
Genomic context (GRCh38, chr10:75,028,876, plus strand): 5'-CCCCTGTAAGTCCAAACACATCACCAGGTGAAAAACCAGAAGATGATCTCATCAAACCTG[AG>A]GAAGAGGAAGAGGAGGAGGAGGAGGAAGAGGAAGAAGAGGAAGAAGAGGAAGGGGAAGAA-3'